The following is an entry in ClinVar:

ClinVar aggregate classification (germline): Uncertain significance (1 of 4 stars; one submission).

Allele frequency attached by ClinVar (database versions not stated): gnomAD exomes 0.00001 and 0.00002.
gnomAD v4.1: 19 of 1,207,785 alleles (0.0016%); highest among the groups gnomAD compares: Non-Finnish European, 0.002%; no homozygotes.

Submission:

GeneDx
Classification: Uncertain significance. Last evaluated: 2017-01-10. Review status: criteria provided, single submitter. Criteria: GeneDx Variant Classification (06012015). Collection method: clinical testing. Allele origin: germline. Affected: yes.
Comment: The c.450+15 C>T variant has not been published as a pathogenic variant, nor has it been reported as a benign variant to our knowledge. The c.450+15 C>T variant was not observed in approximately 6,500 individuals of European and African American ancestry in the NHLBI Exome Sequencing Project, indicating it is not a common benign variant in these populations. This substitution occurs at a position that is conserved in mammals. Although in-silico splice prediction models do not predict that c.450+15 C>T affects splicing, in the absence of RNA/functional studies, the actual effect of this sequence change in this individual is unknown. Therefore, based on the currently available information, it is unclear whether this variant is a pathogenic variant or a rare benign variant.

NM_006280.3(SSR4):c.417+15C>T

Gene: SSR4 (signal sequence receptor subunit 4; plus strand). Cytogenetic location: Xq28.
Variant type: single nucleotide variant.
Coding change: c.417+15C>T on transcript NM_006280.3 (MANE Select); 15 bases into the intron after coding-DNA position 417, C replaced by T.
Molecular consequence: intron variant.
Genome position (GRCh38, 1-based): chrX:153,798,151, C>T. VCF-style: chrX-153798151-C-T. GRCh37 (hg19) VCF-style: chrX-153063606-C-T.
Other names: c.417+15C>T (NM_001440796.1); c.498+15C>T (NM_001440795.1); c.441+15C>T (NM_001204527.2); c.450+15C>T (NM_001204526.2).
Identifiers: ClinVar variation 392934 (VCV000392934.2), dbSNP rs1057524706, ClinGen allele CA16608309.